The following is an entry in ClinVar:

NM_001077446.4(TSEN34):c.227C>G (p.Ser76Cys)

Gene: TSEN34 (tRNA splicing endonuclease subunit 34; plus strand). Cytogenetic location: 19q13.42.
Variant type: single nucleotide variant.
Coding change: c.227C>G on transcript NM_001077446.4 (MANE Select); coding-DNA position 227, C replaced by G.
Protein change: p.Ser76Cys; replaces serine 76 with cysteine.
Molecular consequence: missense variant.
Genome position (GRCh38, 1-based): chr19:54,191,591, C>G. VCF-style: chr19-54191591-C-G. GRCh37 (hg19) VCF-style: chr19-54695442-C-G.
Other names: c.227C>G, p.Ser76Cys (NM_001282332.2, NM_001282333.2, NM_001386740.1 and 1 more transcripts); short protein forms S76C.
Identifiers: ClinVar variation 2777395 (VCV002777395.3), dbSNP rs368255252, ClinGen allele CA309373115.

ClinVar aggregate classification (germline): Uncertain significance (1 of 4 stars; one submission).

Allele frequency attached by ClinVar (database versions not stated): ESP Exome Variant Server 0.00009.
gnomAD v4.1: 9 of 1,603,286 alleles (0.00056%); highest among the groups gnomAD compares: Middle Eastern, 0.066%; 1 homozygote.

Submission:

Labcorp Genetics (formerly Invitae), Labcorp
Classification: Uncertain significance. Last evaluated: 2025-12-03. Review status: criteria provided, single submitter. Criteria: Invitae Variant Classification Sherloc (09022015). Collection method: clinical testing. Allele origin: germline.
Comment: This sequence change replaces serine, which is neutral and polar, with cysteine, which is neutral and slightly polar, at codon 76 of the TSEN34 protein (p.Ser76Cys). This variant is present in population databases (rs368255252, gnomAD 0.006%). This variant has not been reported in the literature in individuals affected with TSEN34-related conditions. ClinVar contains an entry for this variant (Variation ID: 2777395). An algorithm developed to predict the effect of missense changes on protein structure and function (PolyPhen-2) suggests that this variant is likely to be tolerated. In summary, the available evidence is currently insufficient to determine the role of this variant in disease. Therefore, it has been classified as a Variant of Uncertain Significance.